The following is an entry in ClinVar:

NM_000214.3(JAG1):c.757T>C (p.Cys253Arg)

Gene: JAG1 (jagged canonical Notch ligand 1; minus strand). Cytogenetic location: 20p12.2.
Variant type: single nucleotide variant.
Coding change: c.757T>C on transcript NM_000214.3 (MANE Select); coding-DNA position 757, T replaced by C.
Protein change: p.Cys253Arg; replaces cysteine 253 with arginine.
Molecular consequence: missense variant.
Genome position (GRCh38, 1-based): chr20:10,652,597, A>G on the plus strand (T>C on the coding strand, the complement: JAG1 is on the minus strand). VCF-style: chr20-10652597-A-G. GRCh37 (hg19) VCF-style: chr20-10633245-A-G.
Other names: short protein forms C253R.
Identifiers: ClinVar variation 1391341 (VCV001391341.8), dbSNP rs2122615195, ClinGen allele CA408239491.

ClinVar aggregate classification (germline): Uncertain significance (1 of 4 stars; one submission).

Conditions:
Alagille syndrome due to a JAG1 point mutation. Also called: HEPATIC DUCTULAR HYPOPLASIA, SYNDROMATIC; JAG1-Related Alagille Syndrome; Alagille Syndrome 1. Identifiers: Orphanet 261619, Orphanet 52, MedGen C1956125, MONDO:0016862, OMIM 118450.

Submissions (2):

Labcorp Genetics (formerly Invitae), Labcorp
Classification: Uncertain significance for Alagille syndrome due to a JAG1 point mutation. Last evaluated: 2021-08-28. Review status: criteria provided, single submitter. Criteria: Invitae Variant Classification Sherloc (09022015). Collection method: clinical testing. Allele origin: germline.
Comment: This sequence change replaces cysteine with arginine at codon 253 of the JAG1 protein (p.Cys253Arg). The cysteine residue is highly conserved and there is a large physicochemical difference between cysteine and arginine. This variant is not present in population databases (ExAC no frequency). This missense change has been observed in individual(s) with Alagille syndrome (Invitae). Algorithms developed to predict the effect of missense changes on protein structure and function are either unavailable or do not agree on the potential impact of this missense change (SIFT: "Deleterious"; PolyPhen-2: "Probably Damaging"; Align-GVGD: "Class C0"). In summary, the available evidence is currently insufficient to determine the role of this variant in disease. Therefore, it has been classified as a Variant of Uncertain Significance.

Gilbert/Spinner Lab, Children's Hospital of Philadelphia
No classification provided (evidence only). Condition: Alagille syndrome. Review status: no classification provided. Collection method: research. Allele origin: not applicable. Functional consequence: functionally_abnormal. Not counted in ClinVar's aggregate classification.
ClinVar note: "not provided" was previously submitted as the classification for the variant. However, the classification appeared to be based only on an observation of functional data so it was converted to no classification on 2025-07-30.